The following continues an entry in ClinVar:

NM_004004.6(GJB2):c.35dup (p.Val13fs)

Gene: GJB2. ClinVar aggregate classification (germline): Pathogenic/Likely pathogenic. Pathogenic (15); Likely pathogenic (1).

Submissions 12 to 20 of 20:

Institute of Medical Genetics and Applied Genomics, University Hospital Tübingen
Classification: Pathogenic. Last evaluated: 2021-02-01. Review status: criteria provided, single submitter. Criteria: ACMG Guidelines, 2015. Collection method: clinical testing. Allele origin: germline. Inheritance: Autosomal recessive inheritance. Affected: yes.

Laboratory for Molecular Medicine, Mass General Brigham Personalized Medicine
Classification: Pathogenic for Rare genetic deafness. Last evaluated: 2016-11-30. Review status: criteria provided, single submitter. Criteria: LMM Criteria. Collection method: clinical testing. Allele origin: germline. Inheritance: Autosomal recessive inheritance. Observed: 2 variant alleles.
Comment: The p.Val13fs variant in GJB2, also reported as c.35dupG or c.35insG, has been r eported in >5 individuals with hearing loss who were compound heterozygous for a second pathogenic variant in GJB2 (Estivill 1998, Huang 2014, Snoeckx 2005, Tsu kada 2010). It has been identified in 6/250260 of the total chromosomes in the genome Aggregation Database (dbSNP rs39812381 4). This low frequency in the general population is consistent with the carrier frequency for autosomal recessive hearing loss. This variant is predicted to ca use a frameshift, which alters the protein?s amino acid sequence beginning at po sition 13 and leads to a premature termination codon 35 amino acids downstream. In summary, this variant meets criteria to be classified as pathogenic for autos omal recessive hearing loss based on the predicted impact to the protein and mul tiple previously reported affected compound heterozygotes.

Knight Diagnostic Laboratories, Oregon Health and Sciences University
Classification: Pathogenic. Last evaluated: 2016-11-23. Review status: criteria provided, single submitter. Criteria: ACMG Guidelines, 2015. Collection method: clinical testing. Allele origin: germline. Observed: 1 variant allele.

Eurofins Ntd Llc (ga)
Classification: Pathogenic. Last evaluated: 2012-08-28. Review status: criteria provided, single submitter. Criteria: EGL Classification Definitions. Collection method: clinical testing. Allele origin: germline. Observed: 5 variant alleles, 5 heterozygotes.

Juno Genomics, Hangzhou Juno Genomics, Inc
Classification: Pathogenic for Autosomal recessive nonsyndromic hearing loss 1A. Review status: criteria provided, single submitter. Criteria: ACMG Guidelines, 2015. Collection method: clinical testing. Allele origin: germline. Affected: yes.
Comment: Absent from controls (or at extremely low frequency if recessive) in Genome Aggregation Database, Exome Sequencing Project, 1000 Genomes Project, or Exome Aggregation Consortium.;Null variant in a gene where loss of function (LOF) is a known mechanism of disease.;For recessive disorders, detected in trans with a pathogenic variant.

WangQJ Lab, Chinese People's Liberation Army General Hospital
Classification: Pathogenic for Autosomal recessive nonsyndromic hearing loss 1A. Last evaluated: 2021-07-01. Review status: no assertion criteria provided. Collection method: clinical testing. Allele origin: paternal. Affected: yes. Not counted in ClinVar's aggregate classification.

Genetic Testing Center for Deafness, Department of Otolaryngology Head & Neck Surgery, Institute of Otolaryngology, Chinese PLA General Hospital
Classification: Pathogenic for Autosomal recessive nonsyndromic hearing loss 1A. Last evaluated: 2019-02-26. Review status: no assertion criteria provided. Collection method: case-control. Allele origin: inherited. Affected: yes. Observed: 3 variant alleles. Clinical features observed: hearing loss. Not counted in ClinVar's aggregate classification.

Counsyl
Classification: Likely pathogenic for Deafness, autosomal recessive 1A. Last evaluated: 2015-02-05. Review status: no assertion criteria provided. Collection method: literature only. Allele origin: unknown. Inheritance: Autosomal recessive inheritance. Not counted in ClinVar's aggregate classification.

Clinical Molecular Genetics Laboratory, Johns Hopkins All Children's Hospital
Classification: Pathogenic for Hearing loss. Last evaluated: 2009-01-22. Review status: no assertion criteria provided. Collection method: clinical testing. Allele origin: germline. Affected: yes. Not counted in ClinVar's aggregate classification.

Literature cited by the submitters: PubMed 34325055 (cited by 3 submitters); PubMed 35661827 (cited by Department of Otolaryngology Head and Neck Surgery, Hainan Hospital of the Chinese People’s Liberation Army General Hospital); PubMed 27792752 (cited by Natera, Inc.); PubMed 11439000 (cited by 3 submitters); PubMed 18519481 (cited by 3 submitters); PubMed 19366456 (cited by 5 submitters); PubMed 20497192 (cited by 3 submitters); PubMed 23638949 (cited by 3 submitters); PubMed 24503448 (cited by 4 submitters); PubMed 26096904 (cited by Variantyx, Inc.); PubMed 24158611 (cited by Variantyx, Inc.); PubMed 37996878 (cited by Variantyx, Inc.); PubMed 9482292 (cited by 3 submitters); PubMed 31589614 (cited by Athena Diagnostics); PubMed 32645618 (cited by Athena Diagnostics and Women's Health and Genetics/Laboratory Corporation of America, LabCorp); PubMed 31160754 (cited by Athena Diagnostics); PubMed 31541171 (cited by Athena Diagnostics); PubMed 27340645 (cited by Athena Diagnostics and Women's Health and Genetics/Laboratory Corporation of America, LabCorp); PubMed 23418865 (cited by Athena Diagnostics and Counsyl); PubMed 22695344 (cited by 3 submitters); PubMed 22384008 (cited by Athena Diagnostics and Women's Health and Genetics/Laboratory Corporation of America, LabCorp); PubMed 23120683 (cited by Athena Diagnostics and Women's Health and Genetics/Laboratory Corporation of America, LabCorp); PubMed 20639189 (cited by 3 submitters); PubMed 16380907 (cited by 3 submitters); PubMed 12176036 (cited by Athena Diagnostics and Women's Health and Genetics/Laboratory Corporation of America, LabCorp); PubMed 10982180 (cited by Athena Diagnostics and Women's Health and Genetics/Laboratory Corporation of America, LabCorp); PubMed 23757202 (cited by Eurofins Ntd Llc (ga)); DOI 10.1016/j.ejmg.2021.104311 (cited by WangQJ Lab, Chinese People's Liberation Army General Hospital).